The following is an entry in ClinVar:

ClinVar aggregate classification (germline): Uncertain significance (1 of 4 stars; one submission).

Conditions:
Familial hemophagocytic lymphohistiocytosis 5. Also called: STXBP2-Related Familial Hemophagocytic Lymphohistiocytosis (STXBP2-fHLH). Identifiers: Orphanet 540, MedGen C2751293, MONDO:0013135, OMIM 613101.

Submission:

Labcorp Genetics (formerly Invitae), Labcorp
Classification: Uncertain significance for Familial hemophagocytic lymphohistiocytosis 5. Last evaluated: 2023-12-10. Review status: criteria provided, single submitter. Criteria: Invitae Variant Classification Sherloc (09022015). Collection method: clinical testing. Allele origin: germline.
Comment: This sequence change replaces proline, which is neutral and non-polar, with alanine, which is neutral and non-polar, at codon 462 of the STXBP2 protein (p.Pro462Ala). This variant is not present in population databases (gnomAD no frequency). This variant has not been reported in the literature in individuals affected with STXBP2-related conditions. Advanced modeling of protein sequence and biophysical properties (such as structural, functional, and spatial information, amino acid conservation, physicochemical variation, residue mobility, and thermodynamic stability) has been performed at Invitae for this missense variant, however the output from this modeling did not meet the statistical confidence thresholds required to predict the impact of this variant on STXBP2 protein function. In summary, the available evidence is currently insufficient to determine the role of this variant in disease. Therefore, it has been classified as a Variant of Uncertain Significance.

NM_006949.4(STXBP2):c.1384C>G (p.Pro462Ala)

Gene: STXBP2 (syntaxin binding protein 2; plus strand). Cytogenetic location: 19p13.2.
Variant type: single nucleotide variant.
Coding change: c.1384C>G on transcript NM_006949.4 (MANE Select); coding-DNA position 1384, C replaced by G.
Protein change: p.Pro462Ala; replaces proline 462 with alanine.
Molecular consequence: missense variant. On other transcripts: non-coding transcript variant (1).
Genome position (GRCh38, 1-based): chr19:7,646,276, C>G. VCF-style: chr19-7646276-C-G. GRCh37 (hg19) VCF-style: chr19-7711162-C-G.
Other names: c.1375C>G, p.Pro459Ala (NM_001127396.3); c.1417C>G, p.Pro473Ala (NM_001272034.2); c.1288C>G, p.Pro430Ala (NM_001414484.1); short protein forms P430A, P459A, P473A, P462A.
Identifiers: ClinVar variation 2702109 (VCV002702109.3), dbSNP rs2512711285, ClinGen allele CA403161575.